The following is an entry in ClinVar:

NM_019045.5(WDR44):c.2674G>C (p.Val892Leu)

Gene: WDR44 (WD repeat domain 44; plus strand). Cytogenetic location: Xq24.
Variant type: single nucleotide variant.
Coding change: c.2674G>C on transcript NM_019045.5 (MANE Select); coding-DNA position 2674, G replaced by C.
Protein change: p.Val892Leu; replaces valine 892 with leucine.
Molecular consequence: missense variant.
Genome position (GRCh38, 1-based): chrX:118,448,919, G>C. VCF-style: chrX-118448919-G-C. GRCh37 (hg19) VCF-style: chrX-117582882-G-C.
Other names: c.2650G>C, p.Val884Leu (NM_001184965.2); c.2407G>C, p.Val803Leu (NM_001184966.1); short protein forms V803L, V884L, V892L.
Identifiers: ClinVar variation 4071731 (VCV004071731.1).

ClinVar aggregate classification (germline): Uncertain significance (1 of 4 stars; one submission).

Submission:

GeneDx
Classification: Uncertain significance. Last evaluated: 2025-01-25. Review status: criteria provided, single submitter. Criteria: GeneDx Variant Classification Process June 2021. Collection method: clinical testing. Allele origin: germline. Affected: yes.
Comment: Not observed at significant frequency in large population cohorts (gnomAD); In silico analysis indicates that this missense variant does not alter protein structure/function; Has not been previously published as pathogenic or benign to our knowledge